The following is an entry in ClinVar:

NM_001195305.3(BBIP1):c.85A>G (p.Met29Val)

Gene: BBIP1 (BBSome interacting protein 1; minus strand). Cytogenetic location: 10q25.2.
Variant type: single nucleotide variant.
Coding change: c.85A>G on transcript NM_001195305.3 (MANE Select); coding-DNA position 85, A replaced by G.
Protein change: p.Met29Val; replaces methionine 29 with valine.
Molecular consequence: missense variant. On other transcripts: intron variant (1).
Genome position (GRCh38, 1-based): chr10:110,901,565, T>C on the plus strand (A>G on the coding strand, the complement: BBIP1 is on the minus strand). VCF-style: chr10-110901565-T-C. GRCh37 (hg19) VCF-style: chr10-112661323-T-C.
Other names: c.242A>G, p.Asn81Ser (NM_001195304.2); c.85A>G, p.Met29Val (NM_001195306.2); c.19A>G, p.Met7Val (NM_001243783.3); c.38-1039A>G (NM_001195307.2); short protein forms M7V, N81S, M29V.
Identifiers: ClinVar variation 1513559 (VCV001513559.9), dbSNP rs964029226, ClinGen allele CA213247745.

ClinVar aggregate classification (germline): Uncertain significance. Review status: criteria provided, multiple submitters, no conflicts (2 of 4 stars). 2 submissions from 2 submitters: Uncertain significance (2). Last evaluated 2022-07-06.

Conditions:
Bardet-Biedl syndrome 18 (BBS18). Identifiers: Orphanet 110, MedGen C3806174, MONDO:0014446, OMIM 615995.

Allele frequency attached by ClinVar (database versions not stated): gnomAD exomes below 0.00001 and 0.00001; gnomAD 0.00001; TOPMed 0.00002.

Submissions (2):

Labcorp Genetics (formerly Invitae), Labcorp
Classification: Uncertain significance. Last evaluated: 2022-07-06. Review status: criteria provided, single submitter. Criteria: Invitae Variant Classification Sherloc (09022015). Collection method: clinical testing. Allele origin: germline.
Comment: Algorithms developed to predict the effect of missense changes on protein structure and function output the following: SIFT: "Tolerated"; PolyPhen-2: "Benign"; Align-GVGD: "Class C0". The valine amino acid residue is found in multiple mammalian species, which suggests that this missense change does not adversely affect protein function. This variant is present in population databases (no rsID available, gnomAD 0.004%). This variant has not been reported in the literature in individuals affected with BBIP1-related conditions. ClinVar contains an entry for this variant (Variation ID: 1513559). This sequence change replaces methionine, which is neutral and non-polar, with valine, which is neutral and non-polar, at codon 29 of the BBIP1 protein (p.Met29Val). In summary, the available evidence is currently insufficient to determine the role of this variant in disease. Therefore, it has been classified as a Variant of Uncertain Significance.

Fulgent Genetics
Classification: Uncertain significance for Bardet-Biedl syndrome 18. Last evaluated: 2022-01-07. Review status: criteria provided, single submitter. Criteria: ACMG Guidelines, 2015. Collection method: clinical testing. Allele origin: unknown.